The following is an entry in ClinVar:

NM_001367479.1(DNAH14):c.11240dup (p.Leu3747fs)

Gene: DNAH14 (dynein axonemal heavy chain 14; plus strand). Cytogenetic location: 1q42.12.
Variant type: Duplication.
Coding change: c.11240dup on transcript NM_001367479.1 (MANE Select); coding-DNA position 11240, one base duplicated (T; older notation c.11240dupT).
Protein change: p.Leu3747fs; shifts the reading frame from leucine 3747.
Molecular consequence: frameshift variant.
Genome position (GRCh38, 1-based): chr1:225,346,598, T duplicated; the last of 5 consecutive T bases (chr1:225,346,594-225,346,598); duplicating any one gives the same sequence. VCF-style (leftmost placement, unchanged base first): chr1-225346593-C-CT. GRCh37 (hg19) VCF-style: chr1-225534295-C-CT.
Other names: NM_001373.1:c.10961dupT; short protein forms L3747fs.
Identifiers: ClinVar variation 2692533 (VCV002692533.2), dbSNP rs531695444, ClinGen allele CA1416706.

ClinVar aggregate classification (germline): Uncertain significance. Review status: criteria provided, single submitter (1 of 4 stars). 2 submissions from 2 submitters: Uncertain significance (1). 1 of the submissions does not count toward it. Last evaluated 2023-10-10.

Conditions:
DNAH14-related disorder. Also called: DNAH14-related condition.

Submissions (2):

Greenwood Genetic Center Diagnostic Laboratories, Greenwood Genetic Center
Classification: Uncertain significance. Last evaluated: 2023-10-10. Review status: criteria provided, single submitter. Criteria: ACMG Guidelines, 2015. Collection method: clinical testing. Allele origin: germline. Affected: yes.
Comment: Gene of Uncertain Significance

PreventionGenetics, part of Exact Sciences
Classification: Uncertain significance for DNAH14-related condition. Last evaluated: 2024-09-05. Review status: no assertion criteria provided. Collection method: clinical testing. Allele origin: germline. Not counted in ClinVar's aggregate classification.
Comment: The DNAH14 c.10961dupT variant is predicted to result in a frameshift and premature protein termination (p.Leu3654Phefs*10). To our knowledge, this variant has not been reported in the literature. This variant is reported in 0.26% of alleles in individuals of African descent in gnomAD. At this time, the clinical significance of this variant is uncertain due to the absence of conclusive functional and genetic evidence.